The following is an entry in ClinVar:

NM_004183.4(BEST1):c.915T>G (p.Phe305Leu)

Gene: BEST1 (bestrophin 1; plus strand). Cytogenetic location: 11q12.3.
Variant type: single nucleotide variant.
Coding change: c.915T>G on transcript NM_004183.4 (MANE Select); coding-DNA position 915, T replaced by G.
Protein change: p.Phe305Leu; replaces phenylalanine 305 with leucine.
Molecular consequence: missense variant. On other transcripts: non-coding transcript variant (1), intron variant (1).
Genome position (GRCh38, 1-based): chr11:61,959,545, T>G. VCF-style: chr11-61959545-T-G. GRCh37 (hg19) VCF-style: chr11-61727017-T-G.
Other names: c.735T>G, p.Phe245Leu (NM_001139443.3, NM_001300787.2); c.597T>G, p.Phe199Leu (NM_001363591.3); c.1118T>G, p.Leu373Trp (NM_001363592.2); c.-58T>G (NM_001363593.3); c.688-347T>G (NM_001300786.2); short protein forms F305L, L373W, F199L, F245L.
Identifiers: ClinVar variation 623155 (VCV000623155.2), dbSNP rs1565036465, ClinGen allele CA380843959.
Genomic context (GRCh38, chr11:61,959,545, plus strand): 5'-ACCTGTCCCCAAGGTGGCAGAGCAGCTCATCAACCCCTTTGGAGAGGATGATGATGATTT[T>G]GAGACCAACTGGATTGTCGACAGGAATTTGCAGGTATGGGGAGAGGGAGAGAAACCATAC-3'
Protein context (NP_004174.1, residues 295-315): INPFGEDDDD[Phe305Leu]ETNWIVDRNL

ClinVar aggregate classification (germline): Pathogenic/Likely pathogenic. Review status: criteria provided, multiple submitters, no conflicts (2 of 4 stars). 2 submissions from 2 submitters: Pathogenic (1); Likely pathogenic (1). Last evaluated 2022-09-02.

Conditions:
Vitelliform macular dystrophy 2. Also called: Best Vitelliform Macular Dystrophy (BVMD); MACULAR DEGENERATION, POLYMORPHIC VITELLINE; VITELLIFORM MACULAR DYSTROPHY, EARLY-ONSET; VITELLIFORM MACULAR DYSTROPHY, JUVENILE-ONSET; Best Macular Dystrophy; Best vitelliform macular dystrophy, multifocal. Identifiers: Orphanet 1243, MedGen C2745945, MONDO:0007931, OMIM 153700.

Submissions (2):

Victorian Clinical Genetics Services, Murdoch Childrens Research Institute
Classification: Pathogenic for Vitelliform macular dystrophy 2. Last evaluated: 2022-09-02. Review status: criteria provided, single submitter. Criteria: ACMG Guidelines, 2015. Collection method: clinical testing. Allele origin: germline. Inheritance: Autosomal dominant inheritance. Affected: yes.
Comment: Based on the classification scheme VCGS_Germline_v1.3.4, this variant is classified as Pathogenic. Following criteria are met: 0103 - Dominant negative and loss of function are known mechanisms of disease in this gene. Dominant negative variants are associated with autosomal dominant disease (macular dystrophy, vitelliform, 2, MIM#153700; vitreoretinochoroidopathy, MIM#193220) while loss of function variants are associated with autosomal recessive disease (bestrophinopathy, autosomal recessive, MIM#611809; PMID: 29668979). (I) 0108 - This gene is associated with both recessive and dominant disease (OMIM). (I) 0200 - Variant is predicted to result in a missense amino acid change from phenylalanine to leucine. (I) 0251 - This variant is heterozygous. (I) 0301 - Variant is absent from gnomAD (both v2 and v3). (SP) 0501 - Missense variant consistently predicted to be damaging by multiple in silico tools or highly conserved with a major amino acid change. (SP) 0600 - Variant is located in the annotated bestrophin domain (DECIPHER). (I) 0703 - Another missense variant comparable to the one identified in this case has moderate previous evidence for pathogenicity. p.(Phe305Ser) has been classified as pathogenic by a clinical laboratory in ClinVar, and has been observed as heterozygous in at least two individuals with Best disease (PMID: 21921978). (SP) 0803 - This variant has limited previous evidence of pathogenicity in unrelated individuals. This variant has been classified as likely pathogenic by a clinical laboratory in ClinVar, and observed as heterozygous in a father and his two children affected with Best disease. The variant was confirmed to be de novo in the father (PMID: 18703557). (SP) 1007 - No published functional evidence has been identified for this variant. (I) 1101 - Very strong and specific phenotype match for this individual. (SP) 1208 - Inheritance information for this variant is not currently available in this individual. (I) Legend: (SP) - Supporting pathogenic, (I) - Information, (SB) - Supporting benign

Molecular Diagnostics Laboratory, M Health Fairview: University of Minnesota
Classification: Likely pathogenic for Vitelliform macular dystrophy 2. Last evaluated: 2017-04-20. Review status: criteria provided, single submitter. Criteria: ACMG Guidelines, 2015. Collection method: clinical testing. Allele origin: germline. Affected: yes. Observed: 1 variant allele.

Literature cited by the submitters: PubMed 18703557 (cited by Victorian Clinical Genetics Services, Murdoch Childrens Research Institute and Molecular Diagnostics Laboratory, M Health Fairview: University of Minnesota); PubMed 21921978 (cited by Victorian Clinical Genetics Services, Murdoch Childrens Research Institute); PubMed 29668979 (cited by Victorian Clinical Genetics Services, Murdoch Childrens Research Institute).